The following is an entry in ClinVar:

NM_001288705.3(CSF1R):c.2563C>T (p.Pro855Ser)

Gene: CSF1R (colony stimulating factor 1 receptor; minus strand). Cytogenetic location: 5q32.
Variant type: single nucleotide variant.
Coding change: c.2563C>T on transcript NM_001288705.3 (MANE Select); coding-DNA position 2563, C replaced by T.
Protein change: p.Pro855Ser; replaces proline 855 with serine.
Molecular consequence: missense variant. On other transcripts: non-coding transcript variant (2).
Genome position (GRCh38, 1-based): chr5:150,055,328, G>A on the plus strand (C>T on the coding strand, the complement: CSF1R is on the minus strand). VCF-style: chr5-150055328-G-A. GRCh37 (hg19) VCF-style: chr5-149434891-G-A.
Other names: c.2563C>T, p.Pro855Ser (NM_001349736.2, NM_001375320.1, NM_005211.4); c.2119C>T, p.Pro707Ser (NM_001375321.1); short protein forms P707S, P855S.
Identifiers: ClinVar variation 1299346 (VCV001299346.6), dbSNP rs2113776541, ClinGen allele CA361758160.

ClinVar aggregate classification (germline): Conflicting classifications of pathogenicity. Review status: criteria provided, conflicting classifications (1 of 4 stars). 2 submissions from 2 submitters: Likely pathogenic (1); Uncertain significance (1). Last evaluated 2022-10-05.

Conditions:
Hereditary diffuse leukoencephalopathy with spheroids. Also called: LEUKOENCEPHALOPATHY, ADULT-ONSET, WITH AXONAL SPHEROIDS AND PIGMENTED GLIA. Identifiers: Orphanet 313808, MedGen C3711381, MONDO:0030796.

Submissions (2):

Labcorp Genetics (formerly Invitae), Labcorp
Classification: Uncertain significance. Last evaluated: 2022-10-05. Review status: criteria provided, single submitter. Criteria: Invitae Variant Classification Sherloc (09022015). Collection method: clinical testing. Allele origin: germline.
Comment: In summary, the available evidence is currently insufficient to determine the role of this variant in disease. Therefore, it has been classified as a Variant of Uncertain Significance. This variant disrupts the p.Pro855 amino acid residue in CSF1R. Other variant(s) that disrupt this residue have been observed in individuals with CSF1R-related conditions (PMID: 25863088, 31705326; Invitae), which suggests that this may be a clinically significant amino acid residue. Advanced modeling of protein sequence and biophysical properties (such as structural, functional, and spatial information, amino acid conservation, physicochemical variation, residue mobility, and thermodynamic stability) has been performed at Invitae for this missense variant, however the output from this modeling did not meet the statistical confidence thresholds required to predict the impact of this variant on CSF1R protein function. ClinVar contains an entry for this variant (Variation ID: 1299346). This missense change has been observed in individual(s) with clinical features of CSF1R-related conditions (Invitae). This variant is not present in population databases (gnomAD no frequency). This sequence change replaces proline, which is neutral and non-polar, with serine, which is neutral and polar, at codon 855 of the CSF1R protein (p.Pro855Ser).

Institute of Human Genetics, University of Leipzig Medical Center
Classification: Likely pathogenic for Leukoencephalopathy, diffuse hereditary, with spheroids 1. Last evaluated: 2021-09-13. Review status: criteria provided, single submitter. Criteria: ACMG Guidelines, 2015. Collection method: clinical testing. Allele origin: unknown. Affected: yes.

Literature cited by the submitters: PubMed 25863088 (cited by Labcorp Genetics (formerly Invitae), Labcorp); PubMed 31705326 (cited by Labcorp Genetics (formerly Invitae), Labcorp).